The following is an entry in ClinVar:

ClinVar aggregate classification (germline): Likely benign (1 of 4 stars; one submission).

Allele frequency attached by ClinVar (database versions not stated): 1000 Genomes Project 30x 0.00453; 1000 Genomes Project 0.00419.
gnomAD v4.1: 18,142 of 1,350,496 alleles (1.3%); highest among the groups gnomAD compares: Non-Finnish European, 1.6%; 165 homozygotes.

Submission:

GeneDx
Classification: Likely benign. Last evaluated: 2021-05-15. Review status: criteria provided, single submitter. Criteria: GeneDx Variant Classification Process June 2021. Collection method: clinical testing. Allele origin: germline. Affected: yes.
Comment: See Variant Classification Assertion Criteria.

NM_001369.3(DNAH5):c.7609+77A>G

Gene: DNAH5 (dynein axonemal heavy chain 5; minus strand). Cytogenetic location: 5p15.2.
Variant type: single nucleotide variant.
Coding change: c.7609+77A>G on transcript NM_001369.3 (MANE Select); 77 bases into the intron after coding-DNA position 7609, A replaced by G.
Molecular consequence: intron variant.
Genome position (GRCh38, 1-based): chr5:13,809,982, T>C on the plus strand (A>G on the coding strand, the complement: DNAH5 is on the minus strand). VCF-style: chr5-13809982-T-C. GRCh37 (hg19) VCF-style: chr5-13810091-T-C.
Identifiers: ClinVar variation 1683979 (VCV001683979.2), dbSNP rs147519526, ClinGen allele CA113978894.